The following is an entry in ClinVar:

NM_020041.3(SLC2A9):c.1299C>T (p.Ile433=)

Gene: SLC2A9 (solute carrier family 2 member 9; minus strand). Cytogenetic location: 4p16.1.
Variant type: single nucleotide variant.
Coding change: c.1299C>T on transcript NM_020041.3 (MANE Select); coding-DNA position 1299, C replaced by T.
Protein change: p.Ile433=; no amino-acid change (isoleucine 433 retained).
Molecular consequence: synonymous variant.
Genome position (GRCh38, 1-based): chr4:9,835,001, G>A on the plus strand (C>T on the coding strand, the complement: SLC2A9 is on the minus strand). VCF-style: chr4-9835001-G-A. GRCh37 (hg19) VCF-style: chr4-9836625-G-A.
Other names: c.1212C>T, p.Ile404= (NM_001001290.2).
Identifiers: ClinVar variation 350201 (VCV000350201.19), dbSNP rs147534794, ClinGen allele CA2856895.

ClinVar aggregate classification (germline): Benign/Likely benign. Review status: criteria provided, multiple submitters, no conflicts (2 of 4 stars). 7 submissions from 7 submitters: Benign (2); Likely benign (5). Last evaluated 2026-01-27.

Conditions:
Hypouricemia, renal, 2. Also called: HYPOURICEMIA, RENAL, 2, AUTOSOMAL DOMINANT; HYPOURICEMIA, RENAL, 2, AUTOSOMAL RECESSIVE. Identifiers: MedGen C2677549, MONDO:0012793, OMIM 612076.
SLC2A9-related disorder. Also called: SLC2A9-related condition.

Allele frequency attached by ClinVar (database versions not stated): TOPMed 0.00067; gnomAD 0.00084 and 0.00088; ESP Exome Variant Server 0.00108; gnomAD exomes 0.00125; ExAC 0.00131.
gnomAD v4.1: 1,438 of 1,613,230 alleles (0.089%); highest among the groups gnomAD compares: Non-Finnish European, 0.072%; 2 homozygotes.

Submissions (7):

Labcorp Genetics (formerly Invitae), Labcorp
Classification: Benign. Last evaluated: 2026-01-27. Review status: criteria provided, single submitter. Criteria: Invitae Variant Classification Sherloc (09022015). Collection method: clinical testing. Allele origin: germline.

PreventionGenetics, part of Exact Sciences
Classification: Likely benign for SLC2A9-related condition. Last evaluated: 2025-03-13. Review status: criteria provided, single submitter. Criteria: ACMG Guidelines, 2015. Collection method: clinical testing. Allele origin: germline.
Comment: This variant is classified as likely benign based on ACMG/AMP sequence variant interpretation guidelines (Richards et al. 2015 PMID: 25741868, with internal and published modifications).

Blueprint Genetics
Classification: Likely benign. Last evaluated: 2024-11-08. Review status: criteria provided, single submitter. Criteria: ACMG Guidelines, 2015. Collection method: clinical testing. Allele origin: germline.

Fulgent Genetics
Classification: Likely benign for Hypouricemia, renal, 2. Last evaluated: 2021-07-30. Review status: criteria provided, single submitter. Criteria: ACMG Guidelines, 2015. Collection method: clinical testing. Allele origin: unknown.

GeneDx
Classification: Likely benign. Last evaluated: 2020-11-11. Review status: criteria provided, single submitter. Criteria: GeneDx Variant Classification Process June 2021. Collection method: clinical testing. Allele origin: germline. Affected: yes.

Illumina Laboratory Services, Illumina
Classification: Benign for Hypouricemia, renal, 2. Last evaluated: 2018-01-12. Review status: criteria provided, single submitter. Criteria: ICSL Variant Classification Criteria 13 December 2019. Collection method: clinical testing. Allele origin: germline.
Comment: This variant was observed in the ICSL laboratory as part of a predisposition screen in an ostensibly healthy population. It had not been previously curated by ICSL or reported in the Human Gene Mutation Database (HGMD: prior to June 1st, 2018), and was therefore a candidate for classification through an automated scoring system. Utilizing variant allele frequency, disease prevalence and penetrance estimates, and inheritance mode, an automated score was calculated to assess if this variant is too frequent to cause the disease. Based on the score and internal cut-off values, a variant classified as benign is not then subjected to further curation. The score for this variant resulted in a classification of benign for this disease.

Breakthrough Genomics
Classification: Likely benign. Review status: criteria provided, single submitter. Criteria: ACMG Guidelines, 2015. Collection method: not provided. Allele origin: germline. Inheritance: Autosomal dominant inheritance. Affected: yes.